The following is an entry in ClinVar:

NM_024334.3(TMEM43):c.1177C>T (p.Arg393Trp)

Gene: TMEM43 (transmembrane protein 43; plus strand). Cytogenetic location: 3p25.1.
Variant type: single nucleotide variant.
Coding change: c.1177C>T on transcript NM_024334.3 (MANE Select); coding-DNA position 1177, C replaced by T.
Protein change: p.Arg393Trp; replaces arginine 393 with tryptophan.
Molecular consequence: missense variant.
Genome position (GRCh38, 1-based): chr3:14,141,769, C>T. VCF-style: chr3-14141769-C-T. GRCh37 (hg19) VCF-style: chr3-14183269-C-T.
Other names: short protein forms R393W.
Identifiers: ClinVar variation 650308 (VCV000650308.21), dbSNP rs765762863, ClinGen allele CA051388.

ClinVar aggregate classification (germline): Uncertain significance. Review status: criteria provided, multiple submitters, no conflicts (2 of 4 stars). 6 submissions from 6 submitters: Uncertain significance (6). Last evaluated 2026-01-15.

Conditions:
Cardiovascular phenotype. Identifiers: MedGen CN230736.
Cardiomyopathy (CMYO). Also called: Cardiomyopathies. Identifiers: Orphanet 167848, MedGen C0878544, MONDO:0004994, HP:0001638. Inheritance: Various modes of inheritance.
Arrhythmogenic right ventricular dysplasia 5. Also called: Arrhythmogenic Right Ventricular Dysplasia/Cardiomyopathy 5; ARRHYTHMOGENIC RIGHT VENTRICULAR DYSPLASIA, FAMILIAL, 5. Identifiers: MedGen C1858379, MONDO:0011459, OMIM 604400.
Emery-Dreifuss muscular dystrophy 7, autosomal dominant (EDMD7). Also called: Emery-Dreifuss muscular dystrophy 7, AD. Identifiers: Orphanet 261, MedGen C3553060, MONDO:0013677, OMIM 614302.
Auditory neuropathy, autosomal dominant 3 (AUNA3). Identifiers: MedGen C5676964, MONDO:0859235, OMIM 619832.
Left ventricular noncompaction cardiomyopathy. Also called: left ventricular non-compaction cardiomyopathy. Identifiers: MedGen C4021133, HP:0011664.

Allele frequency attached by ClinVar (database versions not stated): ExAC 0.00002; TOPMed 0.00003; gnomAD 0.00001; gnomAD exomes 0.00001.
gnomAD v4.1: 67 of 1,613,692 alleles (0.0042%); highest among the groups gnomAD compares: Non-Finnish European, 0.0053%; no homozygotes.

Submissions (6):

Labcorp Genetics (formerly Invitae), Labcorp
Classification: Uncertain significance for Arrhythmogenic right ventricular dysplasia 5. Last evaluated: 2026-01-15. Review status: criteria provided, single submitter. Criteria: Invitae Variant Classification Sherloc (09022015). Collection method: clinical testing. Allele origin: germline.
Comment: This sequence change replaces arginine, which is basic and polar, with tryptophan, which is neutral and slightly polar, at codon 393 of the TMEM43 protein (p.Arg393Trp). This variant is present in population databases (rs765762863, gnomAD 0.006%). This missense change has been observed in individual(s) with left ventricular noncompaction (PMID: 31568572). ClinVar contains an entry for this variant (Variation ID: 650308). An algorithm developed to predict the effect of missense changes on protein structure and function outputs the following: PolyPhen-2: "Possibly Damaging". The tryptophan amino acid residue is found in multiple mammalian species, which suggests that this missense change does not adversely affect protein function. In summary, the available evidence is currently insufficient to determine the role of this variant in disease. Therefore, it has been classified as a Variant of Uncertain Significance.

Color Diagnostics, LLC DBA Color Health
Classification: Uncertain significance for Cardiomyopathy. Last evaluated: 2025-07-10. Review status: criteria provided, single submitter. Criteria: ACMG Guidelines, 2015. Collection method: clinical testing. Allele origin: germline.
Comment: This missense variant replaces arginine with tryptophan at codon 393 of the TMEM43 protein. Computational prediction suggests that this variant may not impact protein structure and function. To our knowledge, functional studies have not been reported for this variant. This variant has been reported in a child affected with cardiomyopathy (PMID: 31568572). This variant has been identified in 2/251018 chromosomes in the general population by the Genome Aggregation Database (gnomAD). The available evidence is insufficient to determine the role of this variant in disease conclusively. Therefore, this variant is classified as a Variant of Uncertain Significance.

All of Us Research Program, National Institutes of Health
Classification: Uncertain significance for Arrhythmogenic right ventricular dysplasia 5. Last evaluated: 2024-08-06. Review status: criteria provided, single submitter. Criteria: ACMG Guidelines, 2015. Collection method: clinical testing. Allele origin: germline. Inheritance: Autosomal dominant inheritance. Observed: 3 variant alleles, 3 heterozygotes.
Comment: This missense variant replaces arginine with tryptophan at codon 393 of the TMEM43 protein. Computational prediction suggests that this variant may not impact protein structure and function (internally defined REVEL score threshold <= 0.5, PMID: 27666373). To our knowledge, functional studies have not been reported for this variant. This variant has been reported in an individual affected with pediatric cardiomyopathy (PMID: 31568572). This variant has been identified in 2/251018 chromosomes in the general population by the Genome Aggregation Database (gnomAD). The available evidence is insufficient to determine the role of this variant in disease conclusively. Therefore, this variant is classified as a Variant of Uncertain Significance.

This study involves interpretation of variants in research participants for the purpose of population health screening. Participant phenotype was not available at the time of variant classification. Additional details can be found in publication PMID: 35346344, PMCID: PMC8962531

Ambry Genetics
Classification: Uncertain significance for Cardiovascular phenotype. Last evaluated: 2023-08-01. Review status: criteria provided, single submitter. Criteria: Ambry Variant Classification Scheme 2023. Collection method: clinical testing. Allele origin: germline.
Comment: The p.R393W variant (also known as c.1177C>T), located in coding exon 12 of the TMEM43 gene, results from a C to T substitution at nucleotide position 1177. The arginine at codon 393 is replaced by tryptophan, an amino acid with dissimilar properties. This variant has been detected in a case with left ventricular noncompaction cardiomyopathy and in a case with unspecified primary cardiomyopathy; however, details were limited (K&uuml;hnisch J et al. Clin Genet, 2019 Dec;96:549-559; Akinrinade O et al. J Cardiovasc Transl Res, 2023 Jul). This amino acid position is well conserved in available vertebrate species. In addition, the in silico prediction for this alteration is inconclusive. Since supporting evidence is limited at this time, the clinical significance of this alteration remains unclear.

Fulgent Genetics
Classification: Uncertain significance for Arrhythmogenic right ventricular dysplasia 5; Emery-Dreifuss muscular dystrophy 7, autosomal dominant; Auditory neuropathy, autosomal dominant 3. Last evaluated: 2021-11-01. Review status: criteria provided, single submitter. Criteria: ACMG Guidelines, 2015. Collection method: clinical testing. Allele origin: unknown.

Klaassen Lab, Charite University Medicine Berlin
Classification: Uncertain significance for Left ventricular noncompaction cardiomyopathy. Last evaluated: 2019-07-03. Review status: criteria provided, single submitter. Criteria: ACMG Guidelines, 2015. Collection method: research. Allele origin: germline. Affected: yes.

Literature cited by the submitters: PubMed 31568572 (cited by 5 submitters); PubMed 37477868 (cited by Ambry Genetics); PubMed 31333075 (cited by Klaassen Lab, Charite University Medicine Berlin).